The following is an entry in ClinVar:

NM_020779.4(WDR35):c.2084C>G (p.Ala695Gly)

Gene: WDR35 (WD repeat domain 35; minus strand). Cytogenetic location: 2p24.1.
Variant type: single nucleotide variant.
Coding change: c.2084C>G on transcript NM_020779.4 (MANE Select); coding-DNA position 2084, C replaced by G.
Protein change: p.Ala695Gly; replaces alanine 695 with glycine.
Molecular consequence: missense variant.
Genome position (GRCh38, 1-based): chr2:19,937,926, G>C on the plus strand (C>G on the coding strand, the complement: WDR35 is on the minus strand). VCF-style: chr2-19937926-G-C. GRCh37 (hg19) VCF-style: chr2-20137687-G-C.
Other names: c.2117C>G, p.Ala706Gly (NM_001006657.2); short protein forms A695G, A706G.
Identifiers: ClinVar variation 5019392 (VCV005019392.3).

ClinVar aggregate classification (germline): Uncertain significance (1 of 4 stars; one submission).

Conditions:
Short-rib thoracic dysplasia 7 with or without polydactyly (SRTD7). Also called: SHORT-RIB THORACIC DYSPLASIA 7 WITH POLYDACTYLY; Short rib polydactyly syndrome 5. Identifiers: Orphanet 498497, Orphanet 93271, MedGen C3279792, MONDO:0013569, OMIM 614091.
Cranioectodermal dysplasia 2 (CED2). Identifiers: Orphanet 1515, MedGen C3150874, MONDO:0013323, OMIM 613610.

Submission:

Juno Genomics, Hangzhou Juno Genomics, Inc
Classification: Uncertain significance for Short-rib thoracic dysplasia 7 with or without polydactyly; Cranioectodermal dysplasia 2. Review status: criteria provided, single submitter. Criteria: ACMG Guidelines, 2015. Collection method: clinical testing. Allele origin: germline.
Comment: Absent from controls (or at extremely low frequency if recessive) in Genome Aggregation Database.;Multiple lines of computational evidence support a deleterious effect on the gene or gene product.